The following is an entry in ClinVar:

ClinVar aggregate classification (germline): Likely pathogenic (1 of 4 stars; one submission).

Conditions:
Deficiency of alpha-mannosidase (MANSA). Also called: Alpha-Mannosidosis; LYSOSOMAL ALPHA-D-MANNOSIDASE DEFICIENCY; Mannosidosis, alpha-, types I and II. Identifiers: Orphanet 61, MedGen C0024748, MONDO:0009561, OMIM 248500.

Submission:

Labcorp Genetics (formerly Invitae), Labcorp
Classification: Likely pathogenic for Deficiency of alpha-mannosidase. Last evaluated: 2021-01-10. Review status: criteria provided, single submitter. Criteria: Invitae Variant Classification Sherloc (09022015). Collection method: clinical testing. Allele origin: germline.
Comment: In summary, the currently available evidence indicates that the variant is pathogenic, but additional data are needed to prove that conclusively. Therefore, this variant has been classified as Likely Pathogenic. This variant disrupts the p.Arg229 amino acid residue in MAN2B1. Other variant(s) that disrupt this residue have been determined to be pathogenic (PMID: 22161967, 26048034). This suggests that this residue is clinically significant, and that variants that disrupt this residue are likely to be disease-causing. Advanced modeling of protein sequence and biophysical properties (such as structural, functional, and spatial information, amino acid conservation, physicochemical variation, residue mobility, and thermodynamic stability) performed at Invitae indicates that this missense variant is expected to disrupt MAN2B1 protein function. This variant has not been reported in the literature in individuals with MAN2B1-related conditions. This variant is not present in population databases (ExAC no frequency). This sequence change replaces arginine with leucine at codon 229 of the MAN2B1 protein (p.Arg229Leu). The arginine residue is highly conserved and there is a moderate physicochemical difference between arginine and leucine.

Literature cited by the submitters: PubMed 22161967; PubMed 26048034.

NM_000528.4(MAN2B1):c.686G>T (p.Arg229Leu)

Gene: MAN2B1 (mannosidase alpha class 2B member 1; minus strand). Cytogenetic location: 19p13.13.
Variant type: single nucleotide variant.
Coding change: c.686G>T on transcript NM_000528.4 (MANE Select); coding-DNA position 686, G replaced by T.
Protein change: p.Arg229Leu; replaces arginine 229 with leucine.
Molecular consequence: missense variant.
Genome position (GRCh38, 1-based): chr19:12,663,780, C>A on the plus strand (G>T on the coding strand, the complement: MAN2B1 is on the minus strand). VCF-style: chr19-12663780-C-A. GRCh37 (hg19) VCF-style: chr19-12774594-C-A.
Other names: c.686G>T, p.Arg229Leu (NM_001173498.2); short protein forms R229L.
Identifiers: ClinVar variation 1479765 (VCV001479765.8), dbSNP rs574202419, ClinGen allele CA404252895.